The following is an entry in ClinVar:

NM_024665.7(TBL1XR1):c.1035C>A (p.Phe345Leu)

Genes: TBL1XR1 (TBL1X/Y related 1; minus strand), TBL1XR1-AS1 (TBL1XR1 antisense RNA 1; plus strand), LOC126806878 (CDK7 strongly-dependent group 2 enhancer GRCh37_chr3:176755168-176756367; plus strand). Cytogenetic location: 3q26.32.
Variant type: single nucleotide variant.
Coding change: c.1035C>A on transcript NM_024665.7 (MANE Select); coding-DNA position 1035, C replaced by A.
Protein change: p.Phe345Leu; replaces phenylalanine 345 with leucine.
Molecular consequence: missense variant.
Genome position (GRCh38, 1-based): chr3:177,038,325, G>T on the plus strand (C>A on the coding strand, the complement: TBL1XR1 is on the minus strand). VCF-style: chr3-177038325-G-T. GRCh37 (hg19) VCF-style: chr3-176756113-G-T.
Other names: c.1035C>A, p.Phe345Leu (NM_001321193.3, NM_001321194.3, NM_001374327.1 and 2 more transcripts); c.774C>A, p.Phe258Leu (NM_001321195.3, NM_001374330.1); short protein forms F258L, F345L.
Identifiers: ClinVar variation 1311325 (VCV001311325.2), dbSNP rs777789869, ClinGen allele CA355555232.

ClinVar aggregate classification (germline): Uncertain significance (1 of 4 stars; one submission).

Submission:

GeneDx
Classification: Uncertain significance. Last evaluated: 2019-12-30. Review status: criteria provided, single submitter. Criteria: GeneDx Variant Classification Process June 2021. Collection method: clinical testing. Allele origin: germline. Affected: yes.
Comment: Not observed in large population cohorts (Lek et al., 2016); In silico analysis, which includes protein predictors and evolutionary conservation, supports a deleterious effect; Has not been previously published as pathogenic or benign to our knowledge